The following is an entry in ClinVar:

ClinVar aggregate classification (germline): Pathogenic (1 of 4 stars; one submission).

Conditions:
Cockayne syndrome. Identifiers: Orphanet 191, MedGen C0009207, MONDO:0016006.
Fanconi anemia complementation group Q. Identifiers: Orphanet 84, MedGen C3808988, MONDO:0014108, OMIM 615272.
Xeroderma pigmentosum, group F (XPF). Also called: ERCC4-Related Xeroderma Pigmentosum; XERODERMA PIGMENTOSUM, TYPE F; Xeroderma pigmentosum, type 6; XERODERMA PIGMENTOSUM, COMPLEMENTATION GROUP F; XERODERMA PIGMENTOSUM VI; XP, GROUP F. Identifiers: MedGen C0268140, MONDO:0010215, OMIM 278760.

gnomAD v4.1: 1 of 1,612,206 alleles (0.000062%); no homozygotes.

Submission:

Labcorp Genetics (formerly Invitae), Labcorp
Classification: Pathogenic for Fanconi anemia complementation group Q; Xeroderma pigmentosum, group F; Cockayne syndrome. Last evaluated: 2025-01-07. Review status: criteria provided, single submitter. Criteria: Invitae Variant Classification Sherloc (09022015). Collection method: clinical testing. Allele origin: germline.
Comment: This sequence change creates a premature translational stop signal (p.Tyr297*) in the ERCC4 gene. It is expected to result in an absent or disrupted protein product. Loss-of-function variants in ERCC4 are known to be pathogenic (PMID: 9580660). This variant is present in population databases (no rsID available, gnomAD 0.01%). This variant has not been reported in the literature in individuals affected with ERCC4-related conditions. For these reasons, this variant has been classified as Pathogenic.

Literature cited by the submitters: PubMed 9580660.

NM_005236.3(ERCC4):c.891T>G (p.Tyr297Ter)

Gene: ERCC4 (ERCC excision repair 4, endonuclease catalytic subunit; plus strand). Cytogenetic location: 16p13.12.
Variant type: single nucleotide variant.
Coding change: c.891T>G on transcript NM_005236.3 (MANE Select); coding-DNA position 891, T replaced by G.
Protein change: p.Tyr297Ter; replaces tyrosine 297 with a stop codon.
Molecular consequence: nonsense.
Genome position (GRCh38, 1-based): chr16:13,930,808, T>G. VCF-style: chr16-13930808-T-G. GRCh37 (hg19) VCF-style: chr16-14024665-T-G.
Other names: short protein forms Y297*.
Identifiers: ClinVar variation 3748773 (VCV003748773.2).
Genomic context (GRCh38, chr16:13,930,808, plus strand): 5'-TGGAGCCAAGACTAAATCCTTAGTTCAGGATTTGAAGATATTACGAACTTTGCTGCAGTA[T>G]CTCTCTCAGTATGATTGTGTCACATTTCTTAATCTTCTGGAATCTCTGAGAGCAACGGAA-3'